The following is an entry in ClinVar:

NM_018671.5(UNC45A):c.499G>A (p.Gly167Ser)

Gene: UNC45A (unc-45 myosin chaperone A; plus strand). Cytogenetic location: 15q26.1.
Variant type: single nucleotide variant.
Coding change: c.499G>A on transcript NM_018671.5 (MANE Select); coding-DNA position 499, G replaced by A.
Protein change: p.Gly167Ser; replaces glycine 167 with serine.
Molecular consequence: missense variant.
Genome position (GRCh38, 1-based): chr15:90,939,803, G>A. VCF-style: chr15-90939803-G-A. GRCh37 (hg19) VCF-style: chr15-91483033-G-A.
Other names: c.454G>A, p.Gly152Ser (NM_001039675.2, NM_001323621.2); c.499G>A, p.Gly167Ser (NM_001323619.1); c.64G>A, p.Gly22Ser (NM_001323620.2); short protein forms G22S, G152S, G167S.
Identifiers: ClinVar variation 2873293 (VCV002873293.3), dbSNP rs2036197668, ClinGen allele CA393848720.

ClinVar aggregate classification (germline): Uncertain significance (1 of 4 stars; one submission).

Allele frequency attached by ClinVar (database versions not stated): TOPMed below 0.00001.

Submission:

Labcorp Genetics (formerly Invitae), Labcorp
Classification: Uncertain significance. Last evaluated: 2025-08-04. Review status: criteria provided, single submitter. Criteria: Invitae Variant Classification Sherloc (09022015). Collection method: clinical testing. Allele origin: germline.
Comment: This sequence change replaces glycine, which is neutral and non-polar, with serine, which is neutral and polar, at codon 167 of the UNC45A protein (p.Gly167Ser). This variant is not present in population databases (gnomAD no frequency). This variant has not been reported in the literature in individuals affected with UNC45A-related conditions. ClinVar contains an entry for this variant (Variation ID: 2873293). Invitae Evidence Modeling of protein sequence and biophysical properties (such as structural, functional, and spatial information, amino acid conservation, physicochemical variation, residue mobility, and thermodynamic stability) indicates that this missense variant is not expected to disrupt UNC45A protein function with a negative predictive value of 80%. In summary, the available evidence is currently insufficient to determine the role of this variant in disease. Therefore, it has been classified as a Variant of Uncertain Significance.